The following is an entry in ClinVar:

ClinVar aggregate classification (germline): Uncertain significance (1 of 4 stars; one submission).

Conditions:
Hereditary cancer-predisposing syndrome. Also called: Neoplastic Syndromes, Hereditary; Tumor predisposition; Hereditary Cancer Syndrome; Hereditary neoplastic syndrome. Identifiers: Orphanet 140162, MedGen C0027672, MeSH D009386, MONDO:0015356.

Submission:

Color Diagnostics, LLC DBA Color Health
Classification: Uncertain significance for Hereditary cancer-predisposing syndrome. Last evaluated: 2023-12-05. Review status: criteria provided, single submitter. Criteria: ACMG Guidelines, 2015. Collection method: clinical testing. Allele origin: germline.
Comment: This missense variant replaces serine with arginine at codon 384 of the BAP1 protein. Computational prediction suggests that this variant may not impact protein structure and function (internally defined REVEL score threshold <= 0.5, PMID: 27666373). To our knowledge, functional studies have not been reported for this variant. This variant has not been reported in individuals affected with BAP1-related disorders in the literature. This variant has not been identified in the general population by the Genome Aggregation Database (gnomAD). The available evidence is insufficient to determine the role of this variant in disease conclusively. Therefore, this variant is classified as a Variant of Uncertain Significance.

NM_004656.4(BAP1):c.1150A>C (p.Ser384Arg)

Gene: BAP1 (BRCA1 associated deubiquitinase 1; minus strand). Cytogenetic location: 3p21.1.
Variant type: single nucleotide variant.
Coding change: c.1150A>C on transcript NM_004656.4 (MANE Select); coding-DNA position 1150, A replaced by C.
Protein change: p.Ser384Arg; replaces serine 384 with arginine.
Molecular consequence: missense variant.
Genome position (GRCh38, 1-based): chr3:52,404,553, T>G on the plus strand (A>C on the coding strand, the complement: BAP1 is on the minus strand). VCF-style: chr3-52404553-T-G. GRCh37 (hg19) VCF-style: chr3-52438569-T-G.
Other names: short protein forms S384R.
Identifiers: ClinVar variation 921431 (VCV000921431.4), dbSNP rs1705087300, ClinGen allele CA353103328.